The following is an entry in ClinVar:

NM_014362.4(HIBCH):c.184_185del (p.Thr61_Leu62insTer)

Gene: HIBCH (3-hydroxyisobutyryl-CoA hydrolase; minus strand). Cytogenetic location: 2q32.2.
Variant type: Microsatellite.
Coding change: c.184_185del on transcript NM_014362.4 (MANE Select); coding-DNA positions 184 to 185, 2 bases deleted (CT; older notation c.184_185delCT).
Protein change: p.Thr61_Leu62insTer.
Molecular consequence: nonsense.
Genome position (GRCh38, 1-based): chr2:190,296,847-190,296,848, AG deleted on the plus strand (CT on the coding strand, the reverse complement: HIBCH is on the minus strand); deleting any 2 consecutive bases within chr2:190,296,847-190,296,850 gives the same sequence; the c. name uses the placement nearest the transcript's 3' end. VCF-style (leftmost placement, unchanged base first): chr2-190296846-AAG-A. GRCh37 (hg19) VCF-style: chr2-191161572-AAG-A.
Other names: c.184_185del, p.Thr61_Leu62insTer (NM_198047.3).
Identifiers: ClinVar variation 5006182 (VCV005006182.2).

ClinVar aggregate classification (germline): Likely pathogenic (1 of 4 stars; one submission).

Conditions:
3-hydroxyisobutyryl-CoA hydrolase deficiency. Also called: Reduced circulating 3-hydroxyisobutyryl-CoA hydrolase activity; Deficiency of 3-hydroxyisobutyryl CoA hydrolase; VALINE METABOLIC DEFECT; HIBCH DEFICIENCY; METHACRYLIC ACID TOXICITY; METHACRYLIC ACIDURIA. Identifiers: Orphanet 88639, MedGen C0342738, MONDO:0009603, OMIM 250620, HP:6000215.

Submission:

Juno Genomics, Hangzhou Juno Genomics, Inc
Classification: Likely pathogenic for 3-hydroxyisobutyryl-CoA hydrolase deficiency. Review status: criteria provided, single submitter. Criteria: ACMG Guidelines, 2015. Collection method: clinical testing. Allele origin: germline.
Comment: Null variant in a gene where loss of function (LOF) is a known mechanism of disease.;Absent from controls (or at extremely low frequency if recessive) in Genome Aggregation Database.